The following is an entry in ClinVar:

ClinVar aggregate classification (germline): Uncertain significance (1 of 4 stars; one submission).

Conditions:
Usher syndrome type 3B. Also called: USHER SYNDROME, TYPE IIIB. Identifiers: MedGen C3281066, MONDO:0013788, OMIM 614504.

Submission:

Labcorp Genetics (formerly Invitae), Labcorp
Classification: Uncertain significance for Usher syndrome type 3B. Last evaluated: 2022-09-06. Review status: criteria provided, single submitter. Criteria: Invitae Variant Classification Sherloc (09022015). Collection method: clinical testing. Allele origin: germline.
Comment: In summary, the available evidence is currently insufficient to determine the role of this variant in disease. Therefore, it has been classified as a Variant of Uncertain Significance. Algorithms developed to predict the effect of missense changes on protein structure and function are either unavailable or do not agree on the potential impact of this missense change (SIFT: "Tolerated"; PolyPhen-2: "Possibly Damaging"; Align-GVGD: "Class C0"). ClinVar contains an entry for this variant (Variation ID: 1680286). This variant has not been reported in the literature in individuals affected with HARS-related conditions. This variant is not present in population databases (gnomAD no frequency). This sequence change replaces serine, which is neutral and polar, with glycine, which is neutral and non-polar, at codon 483 of the HARS protein (p.Ser483Gly).

NM_002109.6(HARS1):c.1447A>G (p.Ser483Gly)

Gene: HARS1 (histidyl-tRNA synthetase 1; minus strand). Cytogenetic location: 5q31.3.
Variant type: single nucleotide variant.
Coding change: c.1447A>G on transcript NM_002109.6 (MANE Select); coding-DNA position 1447, A replaced by G.
Protein change: p.Ser483Gly; replaces serine 483 with glycine.
Molecular consequence: missense variant.
Genome position (GRCh38, 1-based): chr5:140,674,690, T>C on the plus strand (A>G on the coding strand, the complement: HARS1 is on the minus strand). VCF-style: chr5-140674690-T-C. GRCh37 (hg19) VCF-style: chr5-140054275-T-C.
Other names: c.1327A>G, p.Ser443Gly (NM_001258040.3); c.1387A>G, p.Ser463Gly (NM_001258041.3); c.1267A>G, p.Ser423Gly (NM_001258042.3); c.1225A>G, p.Ser409Gly (NM_001289092.2); c.1105A>G, p.Ser369Gly (NM_001289093.2); c.1360A>G, p.Ser454Gly (NM_001289094.2); short protein forms S369G, S409G, S423G, S443G, S454G, S463G, S483G.
Identifiers: ClinVar variation 1680286 (VCV001680286.8), dbSNP rs2149819356, ClinGen allele CA361246773.